The following is an entry in ClinVar:

ClinVar aggregate classification (germline): Uncertain significance (1 of 4 stars; one submission).

Conditions:
Combined oxidative phosphorylation defect type 27. Also called: Combined oxidative phosphorylation deficiency 27. Identifiers: Orphanet 477774, MedGen C5567608, MONDO:0014728, OMIM 616672.

Submission:

Labcorp Genetics (formerly Invitae), Labcorp
Classification: Uncertain significance for Combined oxidative phosphorylation defect type 27. Last evaluated: 2022-08-23. Review status: criteria provided, single submitter. Criteria: Invitae Variant Classification Sherloc (09022015). Collection method: clinical testing. Allele origin: germline.
Comment: This variant results in a copy number gain of the genomic region encompassing exon(s) 7-15 of the CARS2 gene. This region includes the termination codon of the gene. This copy number gain extends beyond the assayed region for this gene and therefore may encompass additional genes. As the precise location of this event is unknown, it may be in tandem or it may be located elsewhere in the genome. This variant has not been reported in the literature in individuals affected with CARS2-related conditions. In summary, the available evidence is currently insufficient to determine the role of this variant in disease. Therefore, it has been classified as a Variant of Uncertain Significance.

NC_000013.10:g.(?_111268022)_(111329470_?)dup

Genes: CARS2 (cysteinyl-tRNA synthetase 2, mitochondrial; minus strand), NAXD (NAD(P)HX dehydratase; plus strand). Cytogenetic location: 13q34.
Variant type: Duplication.
Identifiers: ClinVar variation 1376406 (VCV001376406.4).